The following is an entry in ClinVar:

ClinVar aggregate classification (germline): Uncertain significance (1 of 4 stars; one submission).

Conditions:
Kabuki syndrome. Also called: NIIKAWA-KUROKI SYNDROME; Kabuki make-up syndrome. Identifiers: Orphanet 2322, MedGen C0796004, MONDO:0016512.

gnomAD v4.1: 1 of 1,613,278 alleles (0.000062%); highest among the groups gnomAD compares: Admixed American, 0.0017%; no homozygotes.

Submission:

Labcorp Genetics (formerly Invitae), Labcorp
Classification: Uncertain significance for Kabuki syndrome. Last evaluated: 2024-10-04. Review status: criteria provided, single submitter. Criteria: Invitae Variant Classification Sherloc (09022015). Collection method: clinical testing. Allele origin: germline.
Comment: This sequence change replaces tryptophan, which is neutral and slightly polar, with glycine, which is neutral and non-polar, at codon 4730 of the KMT2D protein (p.Trp4730Gly). This variant is not present in population databases (gnomAD no frequency). This variant has not been reported in the literature in individuals affected with KMT2D-related conditions. Invitae Evidence Modeling of protein sequence and biophysical properties (such as structural, functional, and spatial information, amino acid conservation, physicochemical variation, residue mobility, and thermodynamic stability) indicates that this missense variant is not expected to disrupt KMT2D protein function with a negative predictive value of 95%. In summary, the available evidence is currently insufficient to determine the role of this variant in disease. Therefore, it has been classified as a Variant of Uncertain Significance.

NM_003482.4(KMT2D):c.14188T>G (p.Trp4730Gly)

Gene: KMT2D (lysine methyltransferase 2D; minus strand). Cytogenetic location: 12q13.12.
Variant type: single nucleotide variant.
Coding change: c.14188T>G on transcript NM_003482.4 (MANE Select); coding-DNA position 14188, T replaced by G.
Protein change: p.Trp4730Gly; replaces tryptophan 4730 with glycine.
Molecular consequence: missense variant.
Genome position (GRCh38, 1-based): chr12:49,029,124, A>C on the plus strand (T>G on the coding strand, the complement: KMT2D is on the minus strand). VCF-style: chr12-49029124-A-C. GRCh37 (hg19) VCF-style: chr12-49422907-A-C.
Other names: short protein forms W4730G.
Identifiers: ClinVar variation 3698819 (VCV003698819.2).